The following is an entry in ClinVar:

NM_006445.4(PRPF8):c.5764G>A (p.Asp1922Asn)

Gene: PRPF8 (pre-mRNA processing factor 8; minus strand). Cytogenetic location: 17p13.3.
Variant type: single nucleotide variant.
Coding change: c.5764G>A on transcript NM_006445.4 (MANE Select); coding-DNA position 5764, G replaced by A.
Protein change: p.Asp1922Asn; replaces aspartic acid 1922 with asparagine.
Molecular consequence: missense variant.
Genome position (GRCh38, 1-based): chr17:1,656,421, C>T on the plus strand (G>A on the coding strand, the complement: PRPF8 is on the minus strand). VCF-style: chr17-1656421-C-T. GRCh37 (hg19) VCF-style: chr17-1559715-C-T.
Other names: short protein forms D1922N.
Identifiers: ClinVar variation 3067244 (VCV003067244.22), dbSNP rs2543723326, ClinGen allele CA397570062.

ClinVar aggregate classification (germline): Conflicting classifications of pathogenicity. Review status: criteria provided, conflicting classifications (1 of 4 stars). 2 submissions from 2 submitters: Likely pathogenic (1); Uncertain significance (1). Last evaluated 2024-03-01.

Allele frequency attached by ClinVar (database versions not stated): gnomAD exomes below 0.00001.
gnomAD v4.1: 4 of 1,614,144 alleles (0.00025%); highest among the groups gnomAD compares: East Asian, 0.0022%; no homozygotes.

Submissions (2):

CeGaT Center for Human Genetics Tuebingen
Classification: Likely pathogenic. Last evaluated: 2024-03-01. Review status: criteria provided, single submitter. Criteria: CeGaT Center For Human Genetics Tuebingen Variant Classification Criteria Version 2. Collection method: clinical testing. Allele origin: germline. Affected: yes. Observed: 1 variant allele.
Comment: PRPF8: PM2, PS2:Moderate, PP2, PP3

Blueprint Genetics
Classification: Uncertain significance. Last evaluated: 2019-09-30. Review status: criteria provided, single submitter. Criteria: ACMG Guidelines, 2015. Collection method: clinical testing. Allele origin: germline.